The following is an entry in ClinVar:

NM_004369.4(COL6A3):c.2630T>C (p.Val877Ala)

Gene: COL6A3 (collagen type VI alpha 3 chain; minus strand). Cytogenetic location: 2q37.3.
Variant type: single nucleotide variant.
Coding change: c.2630T>C on transcript NM_004369.4 (MANE Select); coding-DNA position 2630, T replaced by C.
Protein change: p.Val877Ala; replaces valine 877 with alanine.
Molecular consequence: missense variant.
Genome position (GRCh38, 1-based): chr2:237,377,212, A>G on the plus strand (T>C on the coding strand, the complement: COL6A3 is on the minus strand). VCF-style: chr2-237377212-A-G. GRCh37 (hg19) VCF-style: chr2-238285855-A-G.
Other names: c.1409T>C, p.Val470Ala (NM_057164.5); c.2012T>C, p.Val671Ala (NM_057165.5, NM_057167.4); c.809T>C, p.Val270Ala (NM_057166.5); short protein forms V270A, V671A, V470A, V877A.
Identifiers: ClinVar variation 4761324 (VCV004761324.1).

ClinVar aggregate classification (germline): Uncertain significance (1 of 4 stars; one submission).

Conditions:
Bethlem myopathy 1A. Also called: Bethlem myopathy 1; Bethlem Muscular Dystrophy; MYOPATHY, BENIGN CONGENITAL, WITH CONTRACTURES. Identifiers: Orphanet 610, MedGen CN029274, MONDO:0024530, OMIM 158810.

Submission:

Labcorp Genetics (formerly Invitae), Labcorp
Classification: Uncertain significance for Bethlem myopathy 1A. Last evaluated: 2025-08-01. Review status: criteria provided, single submitter. Criteria: Invitae Variant Classification Sherloc (09022015). Collection method: clinical testing. Allele origin: germline.
Comment: This sequence change replaces valine, which is neutral and non-polar, with alanine, which is neutral and non-polar, at codon 877 of the COL6A3 protein (p.Val877Ala). This variant is not present in population databases (gnomAD no frequency). This variant has not been reported in the literature in individuals affected with COL6A3-related conditions. Invitae Evidence Modeling of protein sequence and biophysical properties (such as structural, functional, and spatial information, amino acid conservation, physicochemical variation, residue mobility, and thermodynamic stability) indicates that this missense variant is expected to disrupt COL6A3 protein function with a positive predictive value of 80%. In summary, the available evidence is currently insufficient to determine the role of this variant in disease. Therefore, it has been classified as a Variant of Uncertain Significance.